The following is an entry in ClinVar:

NM_152703.5(SAMD9L):c.4244A>T (p.Gln1415Leu)

Gene: SAMD9L (sterile alpha motif domain containing 9 like; minus strand). Cytogenetic location: 7q21.2.
Variant type: single nucleotide variant.
Coding change: c.4244A>T on transcript NM_152703.5 (MANE Select); coding-DNA position 4244, A replaced by T.
Protein change: p.Gln1415Leu; replaces glutamine 1415 with leucine.
Molecular consequence: missense variant.
Genome position (GRCh38, 1-based): chr7:93,131,728, T>A on the plus strand (A>T on the coding strand, the complement: SAMD9L is on the minus strand). VCF-style: chr7-93131728-T-A. GRCh37 (hg19) VCF-style: chr7-92761041-T-A.
Other names: c.4244A>T, p.Gln1415Leu (NM_001303496.3, NM_001303497.3, NM_001303498.3 and 5 more transcripts); short protein forms Q1415L.
Identifiers: ClinVar variation 2699591 (VCV002699591.3), dbSNP rs2535404823, ClinGen allele CA368175256.

ClinVar aggregate classification (germline): Uncertain significance (1 of 4 stars; one submission).

Allele frequency attached by ClinVar (database versions not stated): gnomAD exomes below 0.00001.

Submission:

Labcorp Genetics (formerly Invitae), Labcorp
Classification: Uncertain significance. Last evaluated: 2023-11-28. Review status: criteria provided, single submitter. Criteria: Invitae Variant Classification Sherloc (09022015). Collection method: clinical testing. Allele origin: germline.
Comment: This sequence change replaces glutamine, which is neutral and polar, with leucine, which is neutral and non-polar, at codon 1415 of the SAMD9L protein (p.Gln1415Leu). This variant is not present in population databases (gnomAD no frequency). This variant has not been reported in the literature in individuals affected with SAMD9L-related conditions. Advanced modeling of protein sequence and biophysical properties (such as structural, functional, and spatial information, amino acid conservation, physicochemical variation, residue mobility, and thermodynamic stability) performed at Invitae indicates that this missense variant is not expected to disrupt SAMD9L protein function with a negative predictive value of 80%. In summary, the available evidence is currently insufficient to determine the role of this variant in disease. Therefore, it has been classified as a Variant of Uncertain Significance.